The following is an entry in ClinVar:

ClinVar aggregate classification (germline): Benign/Likely benign. Review status: criteria provided, multiple submitters, no conflicts (2 of 4 stars). 7 submissions from 7 submitters: Benign (3); Likely benign (4). Last evaluated 2026-01-18.

Conditions:
Autosomal dominant limb-girdle muscular dystrophy type 1F (LGMDD2). Also called: Limb-girdle muscular dystrophy, type 1F; MUSCULAR DYSTROPHY, LIMB-GIRDLE, AUTOSOMAL DOMINANT 2. Identifiers: Orphanet 55595, MedGen C1842062, MONDO:0012034, OMIM 608423.

Allele frequency attached by ClinVar (database versions not stated): ESP Exome Variant Server 0.00069; gnomAD 0.00088 and 0.00093; TOPMed 0.00095.
gnomAD v4.1: 2,266 of 1,613,146 alleles (0.14%); highest among the groups gnomAD compares: Non-Finnish European, 0.18%; 7 homozygotes.

Submissions (7):

Labcorp Genetics (formerly Invitae), Labcorp
Classification: Benign for Autosomal dominant limb-girdle muscular dystrophy type 1F. Last evaluated: 2026-01-18. Review status: criteria provided, single submitter. Criteria: Invitae Variant Classification Sherloc (09022015). Collection method: clinical testing. Allele origin: germline.

Mayo Clinic Laboratories, Mayo Clinic
Classification: Likely benign. Last evaluated: 2025-08-29. Review status: criteria provided, single submitter. Criteria: ACMG Guidelines, 2015. Collection method: clinical testing. Allele origin: germline. Observed: 3 variant alleles.
Comment: BS1, BP4, BP7

Blueprint Genetics
Classification: Likely benign. Last evaluated: 2024-11-25. Review status: criteria provided, single submitter. Criteria: ACMG Guidelines, 2015. Collection method: clinical testing. Allele origin: germline.

CeGaT Center for Human Genetics Tuebingen
Classification: Likely benign. Last evaluated: 2024-06-01. Review status: criteria provided, single submitter. Criteria: CeGaT Center For Human Genetics Tuebingen Variant Classification Criteria Version 2. Collection method: clinical testing. Allele origin: germline. Affected: yes. Observed: 2 variant alleles.
Comment: TNPO3: BP4, BS1

GeneDx
Classification: Benign. Last evaluated: 2020-08-10. Review status: criteria provided, single submitter. Criteria: GeneDx Variant Classification Process June 2021. Collection method: clinical testing. Allele origin: germline. Affected: yes.

Eurofins Ntd Llc (ga)
Classification: Benign. Last evaluated: 2016-08-01. Review status: criteria provided, single submitter. Criteria: EGL Classification Definitions 2015. Collection method: clinical testing. Allele origin: germline. Observed: 15 variant alleles, 15 heterozygotes.

PreventionGenetics, part of Exact Sciences
Classification: Likely benign. Review status: criteria provided, single submitter. Criteria: ACMG Guidelines, 2015. Collection method: clinical testing. Allele origin: germline.

NM_012470.4(TNPO3):c.2280T>C (p.Ile760=)

Gene: TNPO3 (transportin 3; minus strand). Cytogenetic location: 7q32.1.
Variant type: single nucleotide variant.
Coding change: c.2280T>C on transcript NM_012470.4 (MANE Select); coding-DNA position 2280, T replaced by C.
Protein change: p.Ile760=; no amino-acid change (isoleucine 760 retained).
Molecular consequence: synonymous variant. On other transcripts: non-coding transcript variant (18).
Genome position (GRCh38, 1-based): chr7:128,972,576, A>G on the plus strand (T>C on the coding strand, the complement: TNPO3 is on the minus strand). VCF-style: chr7-128972576-A-G. GRCh37 (hg19) VCF-style: chr7-128612630-A-G.
Other names: p.Ile760=; c.2088T>C, p.Ile696= (NM_001191028.3, NM_001382223.1); c.2382T>C, p.Ile794= (NM_001382216.1); c.2361T>C, p.Ile787= (NM_001382217.1); c.2280T>C, p.Ile760= (NM_001382218.1); c.2172T>C, p.Ile724= (NM_001382219.1); c.2139T>C, p.Ile713= (NM_001382220.1); c.2136T>C, p.Ile712= (NM_001382221.1); and 1 more.
Identifiers: ClinVar variation 260263 (VCV000260263.43), dbSNP rs142359170, ClinGen allele CA4477897.